The following is an entry in ClinVar:

NM_001430.5(EPAS1):c.1717C>T (p.Pro573Ser)

Gene: EPAS1 (endothelial PAS domain protein 1; plus strand). Cytogenetic location: 2p21.
Variant type: single nucleotide variant.
Coding change: c.1717C>T on transcript NM_001430.5 (MANE Select); coding-DNA position 1717, C replaced by T.
Protein change: p.Pro573Ser; replaces proline 573 with serine.
Molecular consequence: missense variant.
Genome position (GRCh38, 1-based): chr2:46,380,389, C>T. VCF-style: chr2-46380389-C-T. GRCh37 (hg19) VCF-style: chr2-46607528-C-T.
Other names: short protein forms P573S.
Identifiers: ClinVar variation 3221571 (VCV003221571.1), dbSNP rs1449891986, ClinGen allele CA346704737.

ClinVar aggregate classification (germline): Uncertain significance (1 of 4 stars; one submission).

Conditions:
Inborn genetic diseases. Identifiers: MedGen C0950123, MeSH D030342.

Allele frequency attached by ClinVar (database versions not stated): gnomAD exomes below 0.00001; gnomAD 0.00001.
gnomAD v4.1: 3 of 1,614,106 alleles (0.00019%); highest among the groups gnomAD compares: Non-Finnish European, 0.00025%; no homozygotes.

Submission:

Ambry Genetics
Classification: Uncertain significance for Inborn genetic diseases. Last evaluated: 2023-12-14. Review status: criteria provided, single submitter. Criteria: Ambry Variant Classification Scheme 2023. Collection method: clinical testing. Allele origin: germline.
Comment: The p.P573S variant (also known as c.1717C>T), located in coding exon 12 of the EPAS1 gene, results from a C to T substitution at nucleotide position 1717. The proline at codon 573 is replaced by serine, an amino acid with similar properties. This amino acid position is conserved. In addition, the in silico prediction for this alteration is inconclusive. Since supporting evidence is limited at this time, the clinical significance of this alteration remains unclear.